The following is an entry in ClinVar:

NM_007294.4(BRCA1):c.4896G>C (p.Val1632=)

Gene: BRCA1 (BRCA1 DNA repair associated; minus strand). Cytogenetic location: 17q21.31.
Variant type: single nucleotide variant.
Coding change: c.4896G>C on transcript NM_007294.4 (MANE Select); coding-DNA position 4896, G replaced by C.
Protein change: p.Val1632=; no amino-acid change (valine 1632 retained).
Molecular consequence: synonymous variant. On other transcripts: intron variant (1).
Genome position (GRCh38, 1-based): chr17:43,071,018, C>G on the plus strand (G>C on the coding strand, the complement: BRCA1 is on the minus strand). VCF-style: chr17-43071018-C-G. GRCh37 (hg19) VCF-style: chr17-41223035-C-G.
Other names: c.1584G>C, p.Val528= (NM_001407982.1, NM_001407983.1, NM_001407984.1 and 13 more transcripts); c.1581G>C, p.Val527= (NM_001408392.1, NM_001408396.1, NM_001408397.1 and 8 more transcripts); c.1578G>C, p.Val526= (NM_001408406.1, NM_001408407.1, NM_001408408.1); c.1575G>C, p.Val525= (NM_001408409.1); c.1512G>C, p.Val504= (NM_001408410.1); c.1509G>C, p.Val503= (NM_001408411.1); c.1506G>C, p.Val502= (NM_001408412.1, NM_001408413.1, NM_001408414.1 and 2 more transcripts); c.1470G>C, p.Val490= (NM_001408418.1, NM_001408419.1, NM_001408420.1); and 71 more.
Identifiers: ClinVar variation 865394 (VCV000865394.3), dbSNP rs2052386010, ClinGen allele CA500231718.

Conditions:
Breast-ovarian cancer, familial, susceptibility to, 1 (BROVCA1). Also called: BRCA1 Hereditary Breast and Ovarian Cancer; OVARIAN CANCER, SUSCEPTIBILITY TO. Identifiers: Orphanet 145, MedGen C2676676, MONDO:0011450, OMIM 604370. Disease mechanism: loss of function.

Submission:

Brotman Baty Institute, University of Washington
No classification provided (evidence only). Condition: Breast-ovarian cancer, familial 1. Review status: no classification provided. Collection method: in vitro. Allele origin: not applicable. Functional consequence: functionally_normal.
ClinVar note: "not provided" was previously submitted as the classification for the variant. However, the classification appeared to be based only on an observation of functional data so it was converted to no classification on 2025-07-30.